The following is an entry in ClinVar:

ClinVar aggregate classification (germline): Likely benign. Review status: criteria provided, multiple submitters, no conflicts (2 of 4 stars). 3 submissions from 3 submitters: Likely benign (3). Last evaluated 2026-06-01.

Conditions:
FMN2-related disorder. Also called: FMN2-related condition.

Allele frequency attached by ClinVar (database versions not stated): ExAC 0.00007; ESP Exome Variant Server 0.00008.

Submissions (3):

CeGaT Center for Human Genetics Tuebingen
Classification: Likely benign. Last evaluated: 2026-06-01. Review status: criteria provided, single submitter. Criteria: CeGaT Center For Human Genetics Tuebingen Variant Classification Criteria Version 2. Collection method: clinical testing. Allele origin: germline. Affected: yes. Observed: 2 variant alleles.
Comment: FMN2: BP4, BP7

Blueprint Genetics
Classification: Likely benign. Last evaluated: 2024-11-25. Review status: criteria provided, single submitter. Criteria: ACMG Guidelines, 2015. Collection method: clinical testing. Allele origin: germline.

PreventionGenetics, part of Exact Sciences
Classification: Likely benign for FMN2-related condition. Last evaluated: 2019-10-31. Review status: criteria provided, single submitter. Criteria: ACMG Guidelines, 2015. Collection method: clinical testing. Allele origin: germline.
Comment: This variant is classified as likely benign based on ACMG/AMP sequence variant interpretation guidelines (Richards et al. 2015 PMID: 25741868, with internal and published modifications).

NM_020066.5(FMN2):c.2853G>A (p.Ala951=)

Gene: FMN2 (formin 2; plus strand). Cytogenetic location: 1q43.
Variant type: single nucleotide variant.
Coding change: c.2853G>A on transcript NM_020066.5 (MANE Select); coding-DNA position 2853, G replaced by A.
Protein change: p.Ala951=; no amino-acid change (alanine 951 retained).
Molecular consequence: synonymous variant. On other transcripts: intron variant (1).
Genome position (GRCh38, 1-based): chr1:240,207,665, G>A. VCF-style: chr1-240207665-G-A. GRCh37 (hg19) VCF-style: chr1-240370965-G-A.
Other names: c.2865G>A, p.Ala955= (NM_001305424.2); c.1986+19403G>A (NM_001348094.2).
Identifiers: ClinVar variation 3039868 (VCV003039868.10), dbSNP rs146070457, ClinGen allele CA1476812.
Genomic context (GRCh38, chr1:240,207,665, plus strand): 5'-ACTCCCTCTGCCCCCTCTACCCGGAGCGGGAATACCTCCTCCGCCCCCTCTACCCGGAGC[G>A]GCAATACCCCCTCCGCCCCCTCTTCCCGGGGCAGGCATACCCCTTCCTCCCCCTCTTCCC-3'
Protein context (NP_064450.3, residues 941-961): GIPPPPPLPG[Ala951=]AIPPPPPLPG